The following is an entry in ClinVar:

ClinVar aggregate classification (germline): Uncertain significance (1 of 4 stars; one submission).

Conditions:
KMT2C-related disorder. Also called: KMT2C-related condition; KMT2C-related disorders.

Allele frequency attached by ClinVar (database versions not stated): TOPMed below 0.00001; gnomAD 0.00001; gnomAD exomes 0.00001.
gnomAD v4.1: 10 of 1,614,152 alleles (0.00062%); highest among the groups gnomAD compares: African/African-American, 0.0027%; no homozygotes.

Submission:

PreventionGenetics, part of Exact Sciences
Classification: Uncertain significance for KMT2C-related condition. Last evaluated: 2023-01-10. Review status: criteria provided, single submitter. Criteria: ACMG Guidelines, 2015. Collection method: clinical testing. Allele origin: germline.
Comment: The KMT2C c.13539G>C variant is predicted to result in the amino acid substitution p.Glu4513Asp. To our knowledge, this variant has not been reported in the literature or in a large population database, indicating this variant is rare. At this time, the clinical significance of this variant is uncertain due to the absence of conclusive functional and genetic evidence.

NM_170606.3(KMT2C):c.13539G>C (p.Glu4513Asp)

Gene: KMT2C (lysine methyltransferase 2C; minus strand). Cytogenetic location: 7q36.1.
Variant type: single nucleotide variant.
Coding change: c.13539G>C on transcript NM_170606.3 (MANE Select); coding-DNA position 13539, G replaced by C.
Protein change: p.Glu4513Asp; replaces glutamic acid 4513 with aspartic acid.
Molecular consequence: missense variant.
Genome position (GRCh38, 1-based): chr7:152,148,388, C>G on the plus strand (G>C on the coding strand, the complement: KMT2C is on the minus strand). VCF-style: chr7-152148388-C-G. GRCh37 (hg19) VCF-style: chr7-151845473-C-G.
Other names: short protein forms E4513D.
Identifiers: ClinVar variation 2629874 (VCV002629874.1), dbSNP rs2091343976, ClinGen allele CA370090682.